The following is an entry in ClinVar:

NM_201384.3(PLEC):c.6037C>T (p.Arg2013Trp)

Gene: PLEC (plectin; minus strand). Cytogenetic location: 8q24.3.
Variant type: single nucleotide variant.
Coding change: c.6037C>T on transcript NM_201384.3 (MANE Select); coding-DNA position 6037, C replaced by T.
Protein change: p.Arg2013Trp; replaces arginine 2013 with tryptophan.
Molecular consequence: missense variant.
Genome position (GRCh38, 1-based): chr8:143,923,892, G>A on the plus strand (C>T on the coding strand, the complement: PLEC is on the minus strand). VCF-style: chr8-143923892-G-A. GRCh37 (hg19) VCF-style: chr8-144998060-G-A.
Other names: c.6118C>T, p.Arg2040Trp (NM_000445.5); c.5995C>T, p.Arg1999Trp (NM_201378.4); c.5971C>T, p.Arg1991Trp (NM_201379.3); c.6448C>T, p.Arg2150Trp (NM_201380.4); c.5941C>T, p.Arg1981Trp (NM_201381.3); c.6037C>T, p.Arg2013Trp (NM_201382.4); c.6049C>T, p.Arg2017Trp (NM_201383.3); short protein forms R1991W, R1999W, R2017W, R2150W, R2040W, R1981W, R2013W.
Identifiers: ClinVar variation 471621 (VCV000471621.18), dbSNP rs34893635, ClinGen allele CA4926133.

ClinVar aggregate classification (germline): Conflicting classifications of pathogenicity. Review status: criteria provided, conflicting classifications (1 of 4 stars). 4 submissions from 4 submitters: Uncertain significance (2); Likely benign (2). Last evaluated 2026-04-20.

Conditions:
PLEC-related disorder. Also called: PLEC-related disorders; PLEC-related condition.
Autosomal recessive limb-girdle muscular dystrophy type 2Q (LGMDR17). Also called: MUSCULAR DYSTROPHY, LIMB-GIRDLE, AUTOSOMAL RECESSIVE 17. Identifiers: Orphanet 254361, MedGen C3150989, MONDO:0013390, OMIM 613723.
Epidermolysis bullosa simplex with nail dystrophy (EBS5D). Identifiers: MedGen C4225309, MONDO:0014661, OMIM 616487.
Epidermolysis bullosa simplex 5C, with pyloric atresia (EBS5C). Also called: PLEC-Related Epidermolysis Bullosa with Pyloric Atresia; Epidermolysis bullosa simplex with pyloric atresia; PLEC1-Related Epidermolysis Bullosa with Pyloric Atresia. Identifiers: Orphanet 158684, MedGen C2677349, MONDO:0012807, OMIM 612138.
Epidermolysis bullosa simplex, Ogna type (EBS5A). Also called: Pidermolysis bullosa simplex 5A, Ogna type; EPIDERMOLYSIS BULLOSA SIMPLEX 5A, OGNA TYPE. Identifiers: Orphanet 79401, MedGen C0432317, MONDO:0007555, OMIM 131950.
Epidermolysis bullosa simplex 5B, with muscular dystrophy (EBS5B). Also called: EPIDERMOLYSIS BULLOSA SIMPLEX AND LIMB-GIRDLE MUSCULAR DYSTROPHY; Epidermolysis bullosa simplex with muscular dystrophy. Identifiers: Orphanet 257, MedGen C2931072, MONDO:0009181, OMIM 226670.

Allele frequency attached by ClinVar (database versions not stated): gnomAD 0.00015 and 0.00019; TOPMed 0.00028; 1000 Genomes Project 0.00040; 1000 Genomes Project 30x 0.00062.
gnomAD v4.1: 174 of 1,594,564 alleles (0.011%); highest among the groups gnomAD compares: East Asian, 0.14%; no homozygotes.

Submissions (4):

PreventionGenetics, part of Exact Sciences
Classification: Uncertain significance for PLEC-related condition. Last evaluated: 2026-04-20. Review status: criteria provided, single submitter. Criteria: ACMG Guidelines, 2015. Collection method: clinical testing. Allele origin: germline.
Comment: The PLEC c.6118C>T variant is predicted to result in the amino acid substitution p.Arg2040Trp. This variant was reported in the compound heterozygous state in an individual with limb girdle muscular dystrophy (described as p.Arg1999Trp in Zhong et al 2017. PubMed ID: 28447722; same family referenced in Zrelski et al. 2021. PubMed ID: 34572129). This variant is reported in 0.30% of alleles in individuals of East Asian descent in gnomAD, which is likely too frequent for a disease-causing variant. This variant has been interpreted by a single laboratory in ClinVar as likely benign. Although we suspect that this variant may be benign, at this time, the clinical significance of this variant is uncertain due to the absence of conclusive functional and genetic evidence.

Labcorp Genetics (formerly Invitae), Labcorp
Classification: Likely benign for Autosomal recessive limb-girdle muscular dystrophy type 2Q; Epidermolysis bullosa simplex, Ogna type; Epidermolysis bullosa simplex with nail dystrophy; Epidermolysis bullosa simplex 5C, with pyloric atresia; Epidermolysis bullosa simplex 5B, with muscular dystrophy. Last evaluated: 2026-01-19. Review status: criteria provided, single submitter. Criteria: Invitae Variant Classification Sherloc (09022015). Collection method: clinical testing. Allele origin: germline.

Revvity Omics, Revvity
Classification: Uncertain significance. Last evaluated: 2025-06-25. Review status: criteria provided, single submitter. Criteria: ACMG Guidelines, 2015. Collection method: clinical testing. Allele origin: germline.

Blueprint Genetics
Classification: Likely benign. Last evaluated: 2024-11-26. Review status: criteria provided, single submitter. Criteria: ACMG Guidelines, 2015. Collection method: clinical testing. Allele origin: germline.